The following is an entry in ClinVar:

ClinVar aggregate classification (germline): Benign. Review status: criteria provided, multiple submitters, no conflicts (2 of 4 stars). 3 submissions from 3 submitters: Benign (3). Last evaluated 2024-07-15.

Allele frequency attached by ClinVar (database versions not stated): ESP Exome Variant Server 0.68145; TOPMed 0.68886; gnomAD 0.69517 and 0.69889; gnomAD exomes 0.70540 and 0.72152; ExAC 0.72651; 1000 Genomes Project 0.73063; 1000 Genomes Project 30x 0.73095.
gnomAD v4.1: 906,422 of 1,286,364 alleles (70%); highest among the groups gnomAD compares: East Asian, 84%; 321,696 homozygotes.

Submissions (3):

Unidad de Genómica Garrahan, Hospital de Pediatría Garrahan
Classification: Benign. Last evaluated: 2024-07-15. Review status: criteria provided, single submitter. Criteria: ACMG Guidelines, 2015. Collection method: clinical testing. Allele origin: germline. Affected: no. Observed: 85 variant alleles.
Comment: This variant is classified as Benign based on local population frequency. This variant was detected in 91% of patients studied in a panel designed for Epileptic and Developmental Encephalopathy and Progressive Myoclonus Epilepsy. Number of patients: 85. Only high quality variants are reported.

GeneDx
Classification: Benign. Last evaluated: 2018-06-23. Review status: criteria provided, single submitter. Criteria: GeneDx Variant Classification Process June 2021. Collection method: clinical testing. Allele origin: germline. Affected: yes.

Breakthrough Genomics
Classification: Benign. Review status: criteria provided, single submitter. Criteria: ACMG Guidelines, 2015. Collection method: not provided. Allele origin: germline. Inheritance: Autosomal recessive inheritance. Affected: yes.

NM_001358921.2(COQ2):c.543-41G>A

Gene: COQ2 (coenzyme Q2, polyprenyltransferase; minus strand). Cytogenetic location: 4q21.23.
Variant type: single nucleotide variant.
Coding change: c.543-41G>A on transcript NM_001358921.2 (MANE Select); 41 bases into the intron before coding-DNA position 543, G replaced by A.
Molecular consequence: intron variant.
Genome position (GRCh38, 1-based): chr4:83,272,213, C>T on the plus strand (G>A on the coding strand, the complement: COQ2 is on the minus strand). VCF-style: chr4-83272213-C-T. GRCh37 (hg19) VCF-style: chr4-84193366-C-T.
Other names: c.693-41G>A (NM_015697.9).
Identifiers: ClinVar variation 1281345 (VCV001281345.4), dbSNP rs6841889, ClinGen allele CA2988569.